The following is an entry in ClinVar:

ClinVar aggregate classification (germline): Conflicting classifications of pathogenicity. Review status: criteria provided, conflicting classifications (1 of 4 stars). 14 submissions from 14 submitters: Uncertain significance (7); Likely benign (5). 2 of the submissions do not count toward it. Last evaluated 2025-12-19.

Conditions:
Inherited ovarian cancer (without breast cancer).
Familial prostate cancer. Also called: Hereditary Prostate Cancer. Identifiers: MedGen C2931456, MONDO:0700275, OMIM 176807.
Hereditary cancer-predisposing syndrome. Also called: Neoplastic Syndromes, Hereditary; Tumor predisposition; Hereditary Cancer Syndrome; Hereditary neoplastic syndrome. Identifiers: Orphanet 140162, MedGen C0027672, MeSH D009386, MONDO:0015356.
Hereditary breast ovarian cancer syndrome. Also called: Breast and ovarian cancer; Hereditary breast and ovarian cancer; Hereditary breast and ovarian cancer syndrome (HBOC); Hereditary breast and ovarian cancer syndrome; BRCA1- and BRCA2-Associated Hereditary Breast and Ovarian Cancer; Hereditary breast and/or ovarian cancer syndrome. Identifiers: Orphanet 145, MedGen C0677776, MeSH D061325, MONDO:0003582. Disease mechanism: loss of function.
Breast-ovarian cancer, familial, susceptibility to, 2 (BROVCA2). Also called: BRCA2 Hereditary Breast and Ovarian Cancer. Identifiers: Orphanet 145, MedGen C2675520, MONDO:0012933, OMIM 612555. Disease mechanism: loss of function.
Pilocytic astrocytoma. Also called: Pilocytic astrocytoma, somatic. Identifiers: Orphanet 251612, MedGen C0334583, MONDO:0016691, HP:0033680.

Allele frequency attached by ClinVar (database versions not stated): gnomAD exomes below 0.00001; TOPMed 0.00002; gnomAD 0.00003.
gnomAD v4.1: 68 of 1,613,430 alleles (0.0042%); highest among the groups gnomAD compares: Non-Finnish European, 0.0053%; no homozygotes.

Submissions (14):

Labcorp Genetics (formerly Invitae), Labcorp
Classification: Likely benign for Hereditary breast ovarian cancer syndrome. Last evaluated: 2025-12-19. Review status: criteria provided, single submitter. Criteria: Invitae Variant Classification Sherloc (09022015). Collection method: clinical testing. Allele origin: germline.

Women's Health and Genetics/Laboratory Corporation of America, LabCorp
Classification: Uncertain significance. Last evaluated: 2025-11-04. Review status: criteria provided, single submitter. Criteria: LabCorp Variant Classification Summary - May 2015. Collection method: clinical testing. Allele origin: germline.
Comment: Variant summary: BRCA2 c.6172T>A (p.Phe2058Ile) results in a non-conservative amino acid change in the encoded protein sequence. Algorithms developed to predict the effect of missense changes on protein structure and function all suggest that this variant is likely to be disruptive. The variant allele was found at a frequency of 4e-06 in 250834 control chromosomes. The available data on variant occurrences in the general population are insufficient to allow any conclusion about variant significance. c.6172T>A has been reported in the literature in individuals affected with Hereditary Breast And Ovarian Cancer Syndrome, without evidence for causality. These reports do not provide unequivocal conclusions about association of the variant with Hereditary Breast And Ovarian Cancer Syndrome. A co-occurrence with another pathogenic variant has been observed (MUTYH c.1187G>A, p.Gly396Asp; internal data), providing supporting evidence for a benign role. To our knowledge, no experimental evidence demonstrating an impact on protein function has been reported. The following publications have been ascertained in the context of this evaluation (PMID: 21702907, 18446624, 20167696, 24489791, 18418466). ClinVar contains an entry for this variant (Variation ID: 52024). Based on the evidence outlined above, the variant was classified as uncertain significance.

Ambry Genetics
Classification: Uncertain significance for Hereditary cancer-predisposing syndrome. Last evaluated: 2025-08-19. Review status: criteria provided, single submitter. Criteria: Ambry Variant Classification Scheme 2023. Collection method: clinical testing. Allele origin: germline.
Comment: The p.F2058I variant (also known as c.6172T>A), located in coding exon 10 of the BRCA2 gene, results from a T to A substitution at nucleotide position 6172. The phenylalanine at codon 2058 is replaced by isoleucine, an amino acid with highly similar properties. This amino acid position is highly conserved in available vertebrate species. In addition, this alteration is predicted to be deleterious by in silico analysis. Based on the available evidence, the clinical significance of this variant remains unclear.

Cambridge Genomics Laboratory, East Genomic Laboratory Hub, NHS Genomic Medicine Service
Classification: Uncertain significance for Inherited ovarian cancer (without breast cancer). Last evaluated: 2025-01-07. Review status: criteria provided, single submitter. Criteria: ACGS Best Practice Guidelines for Variant Classification in Rare Disease 2020. Collection method: clinical testing. Allele origin: germline. Affected: yes.
Comment: PP3

GeneDx
Classification: Uncertain significance. Last evaluated: 2024-10-18. Review status: criteria provided, single submitter. Criteria: GeneDx Variant Classification Process June 2021. Collection method: clinical testing. Allele origin: germline. Affected: yes.
Comment: Observed in individuals with a personal and family history of breast or ovarian cancer (PMID: 18446624, Tepebasi MY et al. (2021) Med J West Black Sea); Not observed at significant frequency in large population cohorts (gnomAD); In silico analysis supports that this missense variant has a deleterious effect on protein structure/function; Also known as c.6400T>A; This variant is associated with the following publications: (PMID: 21520333, 20167696, 24489791, 21702907, 18418466, 28301460, 18951461, 10923033, TEPEBASI[casse report], 18446624, 34771991, 31911673, 32377563, 29884841, 31853058, 9002670, 22193408, 35585550)

All of Us Research Program, National Institutes of Health
Classification: Likely benign for Breast-ovarian cancer, familial, susceptibility to, 2. Last evaluated: 2024-02-05. Review status: criteria provided, single submitter. Criteria: ACMG Guidelines, 2015. Collection method: clinical testing. Allele origin: germline. Inheritance: Autosomal dominant inheritance. Observed: 5 variant alleles, 5 heterozygotes.
Comment: This study involves interpretation of variants in research participants for the purpose of population health screening. Participant phenotype was not available at the time of variant classification. Additional details can be found in publication PMID: 35346344, PMCID: PMC8962531

Department of Pathology and Laboratory Medicine, Sinai Health System
Classification: Likely benign for Familial prostate cancer. Last evaluated: 2024-01-26. Review status: criteria provided, single submitter. Criteria: ACMG Guidelines, 2015. Collection method: clinical testing. Allele origin: germline. Affected: yes.

University of Washington Department of Laboratory Medicine, University of Washington
Classification: Likely benign for Hereditary cancer-predisposing syndrome. Last evaluated: 2023-03-23. Review status: criteria provided, single submitter. Criteria: Dines et al. (Genet Med. 2020). Collection method: curation. Allele origin: germline.
Comment: Missense variant in a coldspot region where missense variants are very unlikely to be pathogenic (PMID:31911673).

BRCA2 exon 11 coldspot. Reclassification based on statistical prior probability.

Color Diagnostics, LLC DBA Color Health
Classification: Likely benign for Hereditary cancer-predisposing syndrome. Last evaluated: 2021-10-05. Review status: criteria provided, single submitter. Criteria: ACMG Guidelines, 2015. Collection method: clinical testing. Allele origin: germline.

Sema4
Classification: Uncertain significance for Hereditary cancer-predisposing syndrome. Last evaluated: 2021-08-10. Review status: criteria provided, single submitter. Criteria: Sema4 Curation Guidelines. Collection method: curation. Allele origin: germline.
Comment: The BRCA2 c.6172T>A (p.F2058I) variant has been reported in heterozygosity in at least six individuals with breast or ovarian cancer (PMID: 18446624, 24489791, 34771991) and was also observed in 2 healthy controls (PMID 34771991). It was observed in 1/113476 chromosomes of the Non-Finnish European subpopulation, with no homozygotes, in the large and broad cohorts of the Genome Aggregation Database (PMID: 32461654). The variant has been reported in ClinVar (Variation ID 52024). In silico tools suggest the impact of the variant on protein function is deleterious, though these predictions have not been confirmed by functional studies. The evidence is insufficient to meet ACMG/AMP criteria for classifying the variant as benign or pathogenic. Thus, the clinical significance of this variant is currently uncertain.

Quest Diagnostics Nichols Institute San Juan Capistrano
Classification: Uncertain significance. Last evaluated: 2019-01-17. Review status: criteria provided, single submitter. Criteria: Quest Diagnostics criteria. Collection method: clinical testing. Allele origin: germline.

Laboratory of Medical Genetics Unit, Bambino Gesù Children's Hospital
Classification: Uncertain significance for Pilocytic astrocytoma. Review status: criteria provided, single submitter. Criteria: ACMG Guidelines, 2015. Collection method: research. Allele origin: germline. Affected: yes.
Comment: The variant NM_000059.4 (BRCA2): c.6172T>A (p.Phe2058Ile) is rare in GnomAD and it is reported in literatute. It is annotated on Clinvar as LB/VUS associated with Hereditary Breast Ovarian Cancer Syndrome [RCV000044860] and Hereditary Cancer-predisposing Syndrome [RCV000129210]. It is classified as VUS according to the ACMG criteria (PM2, PP3 and BP6).

Sharing Clinical Reports Project (SCRP)
Classification: Likely benign for Breast-ovarian cancer, familial 2. Last evaluated: 2012-05-01. Review status: no assertion criteria provided. Collection method: clinical testing. Allele origin: germline. Not counted in ClinVar's aggregate classification.

Breast Cancer Information Core (BIC) (BRCA2)
Classification: Uncertain significance for Breast-ovarian cancer, familial 2. Last evaluated: 2004-02-20. Review status: no assertion criteria provided. Collection method: clinical testing. Allele origin: germline. Affected: yes. Observed: 1 variant allele. Not counted in ClinVar's aggregate classification.

Literature cited by the submitters: PubMed 21702907 (cited by Women's Health and Genetics/Laboratory Corporation of America, LabCorp and Quest Diagnostics Nichols Institute San Juan Capistrano); PubMed 20167696 (cited by Women's Health and Genetics/Laboratory Corporation of America, LabCorp); PubMed 24489791 (cited by 4 submitters); PubMed 18418466 (cited by Women's Health and Genetics/Laboratory Corporation of America, LabCorp); PubMed 18446624 (cited by 4 submitters); PubMed 18951461 (cited by Ambry Genetics); PubMed 33471991 (cited by Department of Pathology and Laboratory Medicine, Sinai Health System); PubMed 34771991 (cited by Sema4).

NM_000059.4(BRCA2):c.6172T>A (p.Phe2058Ile)

Gene: BRCA2 (BRCA2 DNA repair associated; plus strand). Cytogenetic location: 13q13.1.
Variant type: single nucleotide variant.
Coding change: c.6172T>A on transcript NM_000059.4 (MANE Select); coding-DNA position 6172, T replaced by A.
Protein change: p.Phe2058Ile; replaces phenylalanine 2058 with isoleucine.
Molecular consequence: missense variant.
Genome position (GRCh38, 1-based): chr13:32,340,527, T>A. VCF-style: chr13-32340527-T-A. GRCh37 (hg19) VCF-style: chr13-32914664-T-A.
Other names: p.F2058I:TTT>ATT; 6400T>A; short protein forms F2058I.
Identifiers: ClinVar variation 52024 (VCV000052024.39), dbSNP rs80358857, ClinGen allele CA023714.